The following is an entry in ClinVar:

ClinVar aggregate classification (germline): Uncertain significance (1 of 4 stars; one submission).

Conditions:
Hereditary spastic paraplegia 7 (SPG7). Also called: Autosomal recessive spastic paraplegia type 7; SPASTIC PARAPLEGIA 7, AUTOSOMAL RECESSIVE, WITH OR WITHOUT CEREBELLAR ATAXIA; Spastic paraplegia 7; Hereditary spastic paraplegia Paraplegin type; SPG7-related neurologic disorder. Identifiers: Orphanet 99013, MedGen C1846564, MONDO:0011803, OMIM 607259.

Allele frequency attached by ClinVar (database versions not stated): TOPMed below 0.00001; ExAC 0.00001; gnomAD 0.00001; gnomAD exomes 0.00002.
gnomAD v4.1: 35 of 1,596,810 alleles (0.0022%); highest among the groups gnomAD compares: East Asian, 0.0045%; no homozygotes.

Submission:

Labcorp Genetics (formerly Invitae), Labcorp
Classification: Uncertain significance for Hereditary spastic paraplegia 7. Last evaluated: 2023-11-02. Review status: criteria provided, single submitter. Criteria: Invitae Variant Classification Sherloc (09022015). Collection method: clinical testing. Allele origin: germline.
Comment: This sequence change falls in intron 11 of the SPG7 gene. It does not directly change the encoded amino acid sequence of the SPG7 protein. It affects a nucleotide within the consensus splice site. This variant is present in population databases (rs764482312, gnomAD 0.007%). This variant has not been reported in the literature in individuals affected with SPG7-related conditions. Variants that disrupt the consensus splice site are a relatively common cause of aberrant splicing (PMID: 17576681, 9536098). Algorithms developed to predict the effect of sequence changes on RNA splicing suggest that this variant is not likely to affect RNA splicing. In summary, the available evidence is currently insufficient to determine the role of this variant in disease. Therefore, it has been classified as a Variant of Uncertain Significance.

Literature cited by the submitters: PubMed 17576681; PubMed 9536098.

NM_003119.4(SPG7):c.1552+4C>T

Gene: SPG7 (SPG7 matrix AAA peptidase subunit, paraplegin; plus strand). Cytogenetic location: 16q24.3.
Variant type: single nucleotide variant.
Coding change: c.1552+4C>T on transcript NM_003119.4 (MANE Select); 4 bases into the intron after coding-DNA position 1552, C replaced by T.
Molecular consequence: intron variant.
Genome position (GRCh38, 1-based): chr16:89,546,764, C>T. VCF-style: chr16-89546764-C-T. GRCh37 (hg19) VCF-style: chr16-89613172-C-T.
Other names: c.1552+4C>T (NM_001363850.1).
Identifiers: ClinVar variation 2724061 (VCV002724061.3), dbSNP rs764482312, ClinGen allele CA8244238.